The following is an entry in ClinVar:

NM_003072.5(SMARCA4):c.4171-1842C>T

Gene: SMARCA4 (SWI/SNF related BAF chromatin remodeling complex subunit ATPase 4; plus strand). Cytogenetic location: 19p13.2.
Variant type: single nucleotide variant.
Coding change: c.4171-1842C>T on transcript NM_003072.5 (MANE Select); 1842 bases into the intron before coding-DNA position 4171, C replaced by T.
Molecular consequence: intron variant. On other transcripts: missense variant (1).
Genome position (GRCh38, 1-based): chr19:11,039,465, C>T. VCF-style: chr19-11039465-C-T. GRCh37 (hg19) VCF-style: chr19-11150141-C-T.
Other names: c.4178C>T, p.Thr1393Ile (NM_001128849.3); c.4171-1842C>T (NM_001128844.3); c.4072-1842C>T (NM_001128847.4, NM_001374457.1, NM_001128848.2); c.4072-1833C>T (NM_001128845.2, NM_001128846.2); short protein forms T1393I.
Identifiers: ClinVar variation 849876 (VCV000849876.10), dbSNP rs2075449703, ClinGen allele CA404071075.
Genomic context (GRCh38, chr19:11,039,465, plus strand): 5'-AGGGCACGTTGTGCACTGAAACACTAAACAGACATTAAAAAATTTTGTTGTAGAAAATTA[C>T]AGGAAAAGATATCCATGACACAGCCAGCAGTGTGGCACGTGGGCTACAATTCCAGCGTGG-3'

ClinVar aggregate classification (germline): Uncertain significance. Review status: criteria provided, multiple submitters, no conflicts (2 of 4 stars). 2 submissions from 2 submitters: Uncertain significance (2). Last evaluated 2026-07-07.

Conditions:
Hereditary cancer-predisposing syndrome. Also called: Tumor predisposition; Hereditary neoplastic syndrome; Neoplastic Syndromes, Hereditary; Hereditary Cancer Syndrome. Identifiers: Orphanet 140162, MedGen C0027672, MeSH D009386, MONDO:0015356.
Rhabdoid tumor predisposition syndrome 2 (RTPS2). Identifiers: Orphanet 231108, Orphanet 69077, MedGen C2750074, MONDO:0013224, OMIM 613325.

Submissions (2):

Ambry Genetics
Classification: Uncertain significance for Hereditary cancer-predisposing syndrome. Last evaluated: 2026-07-07. Review status: criteria provided, single submitter. Criteria: Ambry Variant Classification Scheme 2023. Collection method: clinical testing. Allele origin: germline.
Comment: The p.T1393I variant (also known as c.4178C>T), located in coding exon 29 of the SMARCA4 gene, results from a C to T substitution at nucleotide position 4178. The threonine at codon 1393 is replaced by isoleucine, an amino acid with similar properties. This amino acid position is conserved. In addition, this alteration is predicted to be tolerated by in silico analysis. Based on the available evidence, the clinical significance of this variant remains unclear.

Labcorp Genetics (formerly Invitae), Labcorp
Classification: Uncertain significance for Rhabdoid tumor predisposition syndrome 2. Last evaluated: 2019-11-19. Review status: criteria provided, single submitter. Criteria: Invitae Variant Classification Sherloc (09022015). Collection method: clinical testing. Allele origin: germline.
Comment: In summary, the available evidence is currently insufficient to determine the role of this variant in disease. Therefore, it has been classified as a Variant of Uncertain Significance. This variant has not been reported in the literature in individuals with SMARCA4-related conditions. Algorithms developed to predict the effect of missense changes on protein structure and function are either unavailable or do not agree on the potential impact of this missense change (SIFT: "Deleterious"; PolyPhen-2: "Benign"; Align-GVGD: "Class C0"). This variant is not present in population databases (ExAC no frequency). This sequence change replaces threonine with isoleucine at codon 1393 of the SMARCA4 protein (p.Thr1393Ile). The threonine residue is weakly conserved and there is a moderate physicochemical difference between threonine and isoleucine.